The following is an entry in ClinVar:

ClinVar aggregate classification (germline): Uncertain significance. Review status: criteria provided, multiple submitters, no conflicts (2 of 4 stars). 2 submissions from 2 submitters: Uncertain significance (2). Last evaluated 2024-06-06.

Conditions:
Hereditary cancer-predisposing syndrome. Also called: Neoplastic Syndromes, Hereditary; Hereditary neoplastic syndrome; Tumor predisposition; Hereditary Cancer Syndrome. Identifiers: Orphanet 140162, MedGen C0027672, MeSH D009386, MONDO:0015356.
Gorlin syndrome. Also called: Nevoid Basal Cell Carcinoma Syndrome; Basal cell nevus syndrome. Identifiers: Orphanet 377, MedGen C0004779, MONDO:0007187.

Allele frequency attached by ClinVar (database versions not stated): gnomAD exomes below 0.00001.

Submissions (2):

Ambry Genetics
Classification: Uncertain significance for Hereditary cancer-predisposing syndrome. Last evaluated: 2024-06-06. Review status: criteria provided, single submitter. Criteria: Ambry Variant Classification Scheme 2023. Collection method: clinical testing. Allele origin: germline.
Comment: The p.A2V variant (also known as c.5C>T), located in coding exon 1 of the PTCH1 gene, results from a C to T substitution at nucleotide position 5. The alanine at codon 2 is replaced by valine, an amino acid with similar properties. This amino acid position is highly conserved in available vertebrate species. In addition, the in silico prediction for this alteration is inconclusive. Since supporting evidence is limited at this time, the clinical significance of this alteration remains unclear.

Labcorp Genetics (formerly Invitae), Labcorp
Classification: Uncertain significance for Gorlin syndrome. Last evaluated: 2024-01-31. Review status: criteria provided, single submitter. Criteria: Invitae Variant Classification Sherloc (09022015). Collection method: clinical testing. Allele origin: germline.
Comment: This sequence change replaces alanine, which is neutral and non-polar, with valine, which is neutral and non-polar, at codon 2 of the PTCH1 protein (p.Ala2Val). This variant is not present in population databases (gnomAD no frequency). This variant has not been reported in the literature in individuals affected with PTCH1-related conditions. ClinVar contains an entry for this variant (Variation ID: 841620). Advanced modeling of protein sequence and biophysical properties (such as structural, functional, and spatial information, amino acid conservation, physicochemical variation, residue mobility, and thermodynamic stability) performed at Invitae indicates that this missense variant is not expected to disrupt PTCH1 protein function with a negative predictive value of 95%. In summary, the available evidence is currently insufficient to determine the role of this variant in disease. Therefore, it has been classified as a Variant of Uncertain Significance.

NM_000264.5(PTCH1):c.5C>T (p.Ala2Val)

Genes: PTCH1 (patched 1; minus strand), LOC130002133 (ATAC-STARR-seq lymphoblastoid silent region 20071; plus strand). Cytogenetic location: 9q22.32.
Variant type: single nucleotide variant.
Coding change: c.5C>T on transcript NM_000264.5 (MANE Select); coding-DNA position 5, C replaced by T.
Protein change: p.Ala2Val; replaces alanine 2 with valine.
Molecular consequence: missense variant. On other transcripts: non-coding transcript variant (1), intron variant (3).
Genome position (GRCh38, 1-based): chr9:95,508,357, G>A on the plus strand (C>T on the coding strand, the complement: PTCH1 is on the minus strand). VCF-style: chr9-95508357-G-A. GRCh37 (hg19) VCF-style: chr9-98270639-G-A.
Other names: c.5C>T, p.Ala2Val (NM_001354918.2); c.199-1758C>T (NM_001083603.3); c.4-1758C>T (NM_001083602.3, NM_001354919.2); short protein forms A2V.
Identifiers: ClinVar variation 841620 (VCV000841620.13), dbSNP rs1843916565, ClinGen allele CA374121793.